The following is an entry in ClinVar:

NM_015295.3(SMCHD1):c.5548-3T>C

Gene: SMCHD1 (structural maintenance of chromosomes flexible hinge domain containing 1; plus strand). Cytogenetic location: 18p11.32.
Variant type: single nucleotide variant.
Coding change: c.5548-3T>C on transcript NM_015295.3 (MANE Select); 3 bases into the intron before coding-DNA position 5548, T replaced by C.
Molecular consequence: intron variant.
Genome position (GRCh38, 1-based): chr18:2,784,447, T>C. VCF-style: chr18-2784447-T-C. GRCh37 (hg19) VCF-style: chr18-2784445-T-C.
Identifiers: ClinVar variation 4740106 (VCV004740106.1).

ClinVar aggregate classification (germline): Uncertain significance (1 of 4 stars; one submission).

Conditions:
Facioscapulohumeral muscular dystrophy 2 (FSHD2). Also called: MUSCULAR DYSTROPHY, FACIOSCAPULOHUMERAL, TYPE 1B; FACIOSCAPULOHUMERAL MUSCULAR DYSTROPHY 2, DIGENIC; FSHD2, DIGENIC. Identifiers: Orphanet 269, MedGen C1834671, MONDO:0008031, OMIM 158901.

Submission:

Labcorp Genetics (formerly Invitae), Labcorp
Classification: Uncertain significance for Facioscapulohumeral muscular dystrophy 2. Last evaluated: 2025-02-26. Review status: criteria provided, single submitter. Criteria: Invitae Variant Classification Sherloc (09022015). Collection method: clinical testing. Allele origin: germline.
Comment: This sequence change falls in intron 44 of the SMCHD1 gene. It does not directly change the encoded amino acid sequence of the SMCHD1 protein. It affects a nucleotide within the consensus splice site. This variant is not present in population databases (gnomAD no frequency). This variant has not been reported in the literature in individuals affected with SMCHD1-related conditions. Variants that disrupt the consensus splice site are a relatively common cause of aberrant splicing (PMID: 17576681, 9536098). Algorithms developed to predict the effect of sequence changes on RNA splicing suggest that this variant is not likely to affect RNA splicing. In summary, the available evidence is currently insufficient to determine the role of this variant in disease. Therefore, it has been classified as a Variant of Uncertain Significance.

Literature cited by the submitters: PubMed 17576681; PubMed 9536098.